The following is an entry in ClinVar:

ClinVar aggregate classification (germline): Benign (1 of 4 stars; one submission).

Allele frequency attached by ClinVar (database versions not stated): gnomAD 0.32548 and 0.32617; TOPMed 0.35879; 1000 Genomes Project 0.45986; 1000 Genomes Project 30x 0.46174.
gnomAD v4.1: 49,414 of 152,086 alleles (32%); highest among the groups gnomAD compares: East Asian, 63%; 11,043 homozygotes.

Submission:

GeneDx
Classification: Benign. Last evaluated: 2018-06-16. Review status: criteria provided, single submitter. Criteria: GeneDx Variant Classification (06012015). Collection method: clinical testing. Allele origin: germline. Affected: yes.
Comment: This variant is considered likely benign or benign based on one or more of the following criteria: it is a conservative change, it occurs at a poorly conserved position in the protein, it is predicted to be benign by multiple in silico algorithms, and/or has population frequency not consistent with disease.

NM_001194998.2(CEP152):c.1909-200A>G

Gene: CEP152 (centrosomal protein 152; minus strand). Cytogenetic location: 15q21.1.
Variant type: single nucleotide variant.
Coding change: c.1909-200A>G on transcript NM_001194998.2 (MANE Select); 200 bases into the intron before coding-DNA position 1909, A replaced by G.
Molecular consequence: intron variant.
Genome position (GRCh38, 1-based): chr15:48,768,528, T>C on the plus strand (A>G on the coding strand, the complement: CEP152 is on the minus strand). VCF-style: chr15-48768528-T-C. GRCh37 (hg19) VCF-style: chr15-49060725-T-C.
Other names: c.1909-200A>G (NM_014985.4).
Identifiers: ClinVar variation 678328 (VCV000678328.1), dbSNP rs3213882, ClinGen allele CA14194984.
Genomic context (GRCh38, chr15:48,768,528, plus strand): 5'-CAAAAGAAAAAGTCTCTTCACGCTTTGATAAGAACATAGATTCATTTATTTGACAAGTAG[T>C]TTTCTGACAGGACTAAACGTTTAAATTTTGTATTTACTTTGAAATATATAAAATGAAAAT-3'